The following is an entry in ClinVar:

NM_003931.3(WASF1):c.1459C>T (p.His487Tyr)

Gene: WASF1 (WASP family member 1; minus strand). Cytogenetic location: 6q21.
Variant type: single nucleotide variant.
Coding change: c.1459C>T on transcript NM_003931.3 (MANE Select); coding-DNA position 1459, C replaced by T.
Protein change: p.His487Tyr; replaces histidine 487 with tyrosine.
Molecular consequence: missense variant.
Genome position (GRCh38, 1-based): chr6:110,101,651, G>A on the plus strand (C>T on the coding strand, the complement: WASF1 is on the minus strand). VCF-style: chr6-110101651-G-A. GRCh37 (hg19) VCF-style: chr6-110422854-G-A.
Other names: c.1459C>T, p.His487Tyr (NM_001024934.2, NM_001024935.2, NM_001024936.2); short protein forms H487Y.
Identifiers: ClinVar variation 2302060 (VCV002302060.2), dbSNP rs1773093204, ClinGen allele CA365347297.

ClinVar aggregate classification (germline): Uncertain significance (1 of 4 stars; one submission).

Conditions:
Inborn genetic diseases. Identifiers: MedGen C0950123, MeSH D030342.

Allele frequency attached by ClinVar (database versions not stated): gnomAD exomes below 0.00001.
gnomAD v4.1: 1 of 1,614,072 alleles (0.000062%); highest among the groups gnomAD compares: Non-Finnish European, 0.000085%; no homozygotes.

Submission:

Ambry Genetics
Classification: Uncertain significance for Inborn genetic diseases. Last evaluated: 2022-09-07. Review status: criteria provided, single submitter. Criteria: Ambry Variant Classification Scheme 2023. Collection method: clinical testing. Allele origin: germline.
Comment: The c.1459C>T (p.H487Y) alteration is located in exon 10 (coding exon 7) of the WASF1 gene. This alteration results from a C to T substitution at nucleotide position 1459, causing the histidine (H) at amino acid position 487 to be replaced by a tyrosine (Y). This variant was not reported in population-based cohorts in the Genome Aggregation Database (gnomAD). This amino acid position is highly conserved in available vertebrate species. This alteration is predicted to be tolerated by in silico analysis. Based on insufficient or conflicting evidence, the clinical significance of this alteration remains unclear.